The following is an entry in ClinVar:

ClinVar aggregate classification (germline): Pathogenic (0 of 4 stars; one submission).

Submission:

Department of Pathology and Laboratory Medicine, Sinai Health System
Classification: Pathogenic. Review status: no assertion criteria provided. Collection method: clinical testing. Allele origin: unknown. Affected: yes. Study: The Canadian Open Genetics Repository (COGR).
Comment: The APC promoter 1B deletion is located upstream of a second APC promoter, 1A. The deletion encompasses genomic region: hg19 chr5:g.112043173-?_112043595+?del (refseq: NM_000038.5). The precise breakpoints were not determined. Deletions of promoter 1B have been described in the literature in at least 14 familial adenomatous polyposis (FAP) kindreds, all of whom presented with a classical FAP phenotype (Rohlin 2011, Kadiyska 2014, Lin 2015, Kalbfleisch 2015, Snow 2015, Pavicic 2014). The database of Genomic Variants does not list and such deletions in their data from control populations. Rohlin (2011) describes a family with a deletion encompassing the upstream half of promoter 1B, which was shown to result in partial gene silencing by allele-specific cDNA analysis. Other studies described deletions encompassing all of promoter 1B, although the extent of the deletion varied between studies. All of these deletions resulted in reduced expression levels of the deletion-containing alleles, with the degree of reduction varying between studies and tissue types: Pavicic (2014) found a 40-60% reduction in expression in lymphocytes; Snow (2015) found a 42% reduction in cell lines, an 88% reduction in normal duodenal tissue, and a 98% reduction in blood; Lin (2015) found complete allelic silencing in blood; and Kadiyska (2014) found an approximate 50-70% reduction of expression of the deletion-containing allele in blood. Kadiyska (2014) suggests that these discrepancies may be due to the small number of studied patients, phenotypic variations, and differences in the size of the deletions even though they affect the same genomic region; additionally, the APC promoters are known to undergo tissue-specific regulation (Rohlin 2011). One study analyzing loss of heterozygosity (LOH) found no LOH in one ademoma, while another adenoma showed partial loss of the wild-type allele (Pavicic 2014); the authors suggest that these findings support the two-hit mechanism of inactivation in association with the promoter 1B deletion. Finally, one FAP kindred analyzed for the promoter 1B deletion found the deletion present in all five affected members and not present in three unaffected members, demonstrating a co-segregation of the deletion with disease (Lin 2015). In summary, based on the above information, this variant meets our laboratoryâ€šÃ„Ã´s criteria to be classified as pathogenic.

NM_001127511.3(APC):c.166-28467del

Gene: APC (APC regulator of Wnt signaling pathway; plus strand). Cytogenetic location: 5q22.2.
Variant type: Deletion.
Coding change: c.166-28467del on transcript NM_001127511.3; 28467 bases into the intron before coding-DNA position 166, one base deleted (G; older notation c.166-28467delG).
Molecular consequence: intron variant.
Genome position (GRCh38, 1-based): chr5:112,737,859, G deleted. VCF-style (leftmost placement, unchanged base first): chr5-112737858-TG-T. GRCh37 (hg19) VCF-style: chr5-112073555-TG-T.
Other names: c.-85delG (NM_000038.4); c.-193delG (NM_001127510.1); c.-1053-17014del (NM_001407470.1, NM_001407472.1); c.-18-17014del (NM_001407447.1, NM_001354895.2, NM_001407456.1 and 7 more transcripts); c.166-28467del (NM_001407446.1, NM_001354897.2, NM_001354902.2); c.-42-28467del (NM_001407453.1).
Identifiers: ClinVar variation 1050584 (VCV001050584.3), dbSNP rs2149682255, ClinGen allele CA2499217377.
Genomic context (GRCh38, chr5:112,737,858, plus strand): 5'-CCATTCCCGTCGGGAGCCCGCCGATTGGCTGGGTGTGGGCGCACGTGACCGACATGTGGC[TG>T]TATTGGTGCAGCCCGCCAGGGTGTCACTGGAGACAGAATGGAGGTGCTGCCGGACTCGGA-3'